The following is an entry in ClinVar:

NM_030653.4(DDX11):c.1415-7T>C

Gene: DDX11 (DEAD/H-box helicase 11; plus strand). Cytogenetic location: 12p11.21.
Variant type: single nucleotide variant.
Coding change: c.1415-7T>C on transcript NM_030653.4 (MANE Select); 7 bases into the intron before coding-DNA position 1415, T replaced by C.
Molecular consequence: intron variant.
Genome position (GRCh38, 1-based): chr12:31,094,748, T>C. VCF-style: chr12-31094748-T-C. GRCh37 (hg19) VCF-style: chr12-31247682-T-C.
Other names: c.1415-7T>C (NM_152438.2, NM_004399.3, NM_001257144.2); c.1337-7T>C (NM_001257145.2).
Identifiers: ClinVar variation 770230 (VCV000770230.9), dbSNP rs61917225, ClinGen allele CA6501302.

ClinVar aggregate classification (germline): Likely benign. Review status: criteria provided, multiple submitters, no conflicts (2 of 4 stars). 6 submissions from 6 submitters: Likely benign (4). 2 of the submissions do not count toward it. Last evaluated 2026-01-24.

Allele frequency attached by ClinVar (database versions not stated): ExAC 0.05005; gnomAD 0.08122 and 0.08132; 1000 Genomes Project 30x 0.10853.

Submissions (6):

Labcorp Genetics (formerly Invitae), Labcorp
Classification: Likely benign. Last evaluated: 2026-01-24. Review status: criteria provided, single submitter. Criteria: Invitae Variant Classification Sherloc (09022015). Collection method: clinical testing. Allele origin: germline.

Women's Health and Genetics/Laboratory Corporation of America, LabCorp
Classification: Likely benign. Last evaluated: 2025-09-05. Review status: criteria provided, single submitter. Criteria: LabCorp Variant Classification Summary - May 2015. Collection method: clinical testing. Allele origin: germline.
Comment: Variant summary: DDX11 c.1415-7T>C alters a nucleotide located at a position not widely known to affect splicing. Consensus agreement among computation tools predict no significant impact on normal splicing. However, these predictions have yet to be confirmed by functional studies. The frequency data for this variant in gnomAD is considered unreliable, as metrics indicate poor data quality at this position. To our knowledge, no occurrence of c.1415-7T>C in individuals affected with DDX11-related conditions and no experimental evidence demonstrating its impact on protein function have been reported. ClinVar contains an entry for this variant (Variation ID: 770230). Based on the evidence outlined above, the variant was classified as likely benign.

Blueprint Genetics
Classification: Likely benign. Last evaluated: 2024-11-27. Review status: criteria provided, single submitter. Criteria: ACMG Guidelines, 2015. Collection method: clinical testing. Allele origin: germline.

Breakthrough Genomics
Classification: Likely benign. Review status: criteria provided, single submitter. Criteria: ACMG Guidelines, 2015. Collection method: not provided. Allele origin: germline. Inheritance: Autosomal recessive inheritance. Affected: yes.

Clinical Genetics DNA and cytogenetics Diagnostics Lab, Erasmus MC, Erasmus Medical Center
Classification: Benign. Review status: no assertion criteria provided. Collection method: clinical testing. Allele origin: germline. Affected: yes. Study: VKGL Data-share Consensus. Not counted in ClinVar's aggregate classification.

Laboratory of Diagnostic Genome Analysis, Leiden University Medical Center (LUMC)
Classification: Likely benign. Review status: no assertion criteria provided. Collection method: clinical testing. Allele origin: germline. Affected: yes. Study: VKGL Data-share Consensus. Not counted in ClinVar's aggregate classification.